The following is an entry in ClinVar:

ClinVar aggregate classification (germline): Uncertain significance (1 of 4 stars; one submission).

Conditions:
Cardiovascular phenotype. Identifiers: MedGen CN230736.

Submission:

Ambry Genetics
Classification: Uncertain significance for Cardiovascular phenotype. Last evaluated: 2022-08-12. Review status: criteria provided, single submitter. Criteria: Ambry Variant Classification Scheme 2023. Collection method: clinical testing. Allele origin: germline.
Comment: The p.K2731Q variant (also known as c.8191A>C), located in coding exon 54 of the RYR2 gene, results from an A to C substitution at nucleotide position 8191. The lysine at codon 2731 is replaced by glutamine, an amino acid with similar properties. This amino acid position is highly conserved in available vertebrate species. In addition, the in silico prediction for this alteration is inconclusive. Since supporting evidence is limited at this time, the clinical significance of this alteration remains unclear.

NM_001035.3(RYR2):c.8191A>C (p.Lys2731Gln)

Gene: RYR2 (ryanodine receptor 2; plus strand). Cytogenetic location: 1q43.
Variant type: single nucleotide variant.
Coding change: c.8191A>C on transcript NM_001035.3 (MANE Select); coding-DNA position 8191, A replaced by C.
Protein change: p.Lys2731Gln; replaces lysine 2731 with glutamine.
Molecular consequence: missense variant.
Genome position (GRCh38, 1-based): chr1:237,658,005, A>C. VCF-style: chr1-237658005-A-C. GRCh37 (hg19) VCF-style: chr1-237821305-A-C.
Other names: short protein forms K2731Q.
Identifiers: ClinVar variation 1762353 (VCV001762353.2), dbSNP rs2547100886, ClinGen allele CA345401246.